The following is an entry in ClinVar:

NM_032040.5(CCDC8):c.860del (p.Gln287fs)

Gene: CCDC8 (coiled-coil domain containing 8 subunit of 3M complex; minus strand). Cytogenetic location: 19q13.32.
Variant type: Deletion.
Coding change: c.860del on transcript NM_032040.5 (MANE Select); coding-DNA position 860, one base deleted (A; older notation c.860delA).
Protein change: p.Gln287fs; shifts the reading frame from glutamine 287.
Molecular consequence: frameshift variant.
Genome position (GRCh38, 1-based): chr19:46,411,951, T deleted on the plus strand (A on the coding strand, the reverse complement: CCDC8 is on the minus strand). VCF-style (leftmost placement, unchanged base first): chr19-46411950-CT-C. GRCh37 (hg19) VCF-style: chr19-46915207-CT-C.
Other names: c.860delA (NM_032040.5); short protein forms Q287fs.
Identifiers: ClinVar variation 1683381 (VCV001683381.2), dbSNP rs778999067, ClinGen allele CA9528603.

ClinVar aggregate classification (germline): Uncertain significance (1 of 4 stars; one submission).

Allele frequency attached by ClinVar (database versions not stated): gnomAD exomes below 0.00001 and 0.00001; ExAC 0.00001.

Submission:

Women's Health and Genetics/Laboratory Corporation of America, LabCorp
Classification: Uncertain significance. Last evaluated: 2025-07-16. Review status: criteria provided, single submitter. Criteria: LabCorp Variant Classification Summary - May 2015. Collection method: clinical testing. Allele origin: germline.
Comment: Variant summary: CCDC8 c.860delA (p.Gln287ArgfsX22) results in a premature termination codon, predicted to cause a truncation of the encoded protein or absence of the protein due to nonsense mediated decay, however current evidence is not sufficient to establish loss of function as a mechanism for disease. The variant allele was found at a frequency of 4e-06 in 248540 control chromosomes. The available data on variant occurrences in the general population are insufficient to allow any conclusion about variant significance. To our knowledge, no occurrence of c.860delA in individuals affected with Three M Syndrome 3 and no experimental evidence demonstrating its impact on protein function have been reported. ClinVar contains an entry for this variant (Variation ID: 1683381). Based on the evidence outlined above, the variant was classified as uncertain significance.